The following is an entry in ClinVar:

ClinVar aggregate classification (germline): Conflicting classifications of pathogenicity. Review status: criteria provided, conflicting classifications (1 of 4 stars). 2 submissions from 2 submitters: Uncertain significance (1); Likely benign (1). Last evaluated 2025-11-03.

Conditions:
Inborn genetic diseases. Identifiers: MedGen C0950123, MeSH D030342.
Symmetrical dyschromatosis of extremities (DSH). Also called: Dyschromatosis symmetrica hereditaria; RETICULATE ACROPIGMENTATION OF DOHI; DYSCHROMATOSIS SYMMETRICA HEREDITARIA 1; SYMMETRIC DYSCHROMATOSIS OF THE EXTREMITIES. Identifiers: Orphanet 41, MedGen C0406775, MONDO:0007483, OMIM 127400.
Aicardi-Goutieres syndrome 6 (AGS6). Identifiers: Orphanet 51, MedGen C3539013, MONDO:0014007, OMIM 615010.

Allele frequency attached by ClinVar (database versions not stated): gnomAD exomes 0.00004 and 0.00003; ExAC 0.00003; gnomAD 0.00003; TOPMed 0.00003.
gnomAD v4.1: 59 of 1,614,122 alleles (0.0037%); highest among the groups gnomAD compares: East Asian, 0.018%; no homozygotes.

Submissions (2):

Labcorp Genetics (formerly Invitae), Labcorp
Classification: Uncertain significance for Aicardi-Goutieres syndrome 6; Symmetrical dyschromatosis of extremities. Last evaluated: 2025-11-03. Review status: criteria provided, single submitter. Criteria: Invitae Variant Classification Sherloc (09022015). Collection method: clinical testing. Allele origin: germline.
Comment: This sequence change replaces glycine, which is neutral and non-polar, with arginine, which is basic and polar, at codon 209 of the ADAR protein (p.Gly209Arg). This variant is present in population databases (rs767095635, gnomAD 0.006%). This variant has not been reported in the literature in individuals affected with ADAR-related conditions. ClinVar contains an entry for this variant (Variation ID: 1018760). An algorithm developed to predict the effect of missense changes on protein structure and function outputs the following: PolyPhen-2: "Benign". The arginine amino acid residue is found in multiple mammalian species, which suggests that this missense change does not adversely affect protein function. In summary, the available evidence is currently insufficient to determine the role of this variant in disease. Therefore, it has been classified as a Variant of Uncertain Significance.

Ambry Genetics
Classification: Likely benign for Inborn genetic diseases. Last evaluated: 2021-08-04. Review status: criteria provided, single submitter. Criteria: Ambry Variant Classification Scheme 2023. Collection method: clinical testing. Allele origin: germline.

NM_001111.5(ADAR):c.625G>A (p.Gly209Arg)

Gene: ADAR (adenosine deaminase RNA specific; minus strand). Cytogenetic location: 1q21.3.
Variant type: single nucleotide variant.
Coding change: c.625G>A on transcript NM_001111.5 (MANE Select); coding-DNA position 625, G replaced by A.
Protein change: p.Gly209Arg; replaces glycine 209 with arginine.
Molecular consequence: missense variant. On other transcripts: 5 prime UTR variant (6).
Genome position (GRCh38, 1-based): chr1:154,602,017, C>T on the plus strand (G>A on the coding strand, the complement: ADAR is on the minus strand). VCF-style: chr1-154602017-C-T. GRCh37 (hg19) VCF-style: chr1-154574493-C-T.
Other names: c.625G>A, p.Gly209Arg (NM_015840.4, NM_015841.4); c.625G>A (NM_001111.4); c.-261G>A (NM_001025107.3, NM_001193495.2, NM_001365046.1 and 3 more transcripts); c.652G>A, p.Gly218Arg (NM_001365045.1); short protein forms G209R, G218R.
Identifiers: ClinVar variation 1018760 (VCV001018760.7), dbSNP rs767095635, ClinGen allele CA1131667.
Genomic context (GRCh38, chr1:154,602,017, plus strand): 5'-GTTCCAAACTCGGGTCTGAGTTTGGGGCTCCTTGGCTATGACCGTCTGGTCTTACCACTC[C>T]GCTGTGCTGGTTCCAAGCCTGAGTGGAGACCGCGATTTTCCACAAAGGGGGTGTTCCTGC-3'
Protein context (NP_001102.3, residues 199-219): VSTQAWNQHS[Gly209Arg]VVRPDGHSQG